The following is an entry in ClinVar:

ClinVar aggregate classification (germline): Uncertain significance (1 of 4 stars; one submission).

Conditions:
Combined immunodeficiency due to LRBA deficiency. Also called: Common variable immunodeficiency 8, with autoimmunity. Identifiers: Orphanet 445018, MedGen C3553512, MONDO:0013863, OMIM 614700.

Submission:

Labcorp Genetics (formerly Invitae), Labcorp
Classification: Uncertain significance for Combined immunodeficiency due to LRBA deficiency. Last evaluated: 2022-11-19. Review status: criteria provided, single submitter. Criteria: Invitae Variant Classification Sherloc (09022015). Collection method: clinical testing. Allele origin: germline.
Comment: In summary, the available evidence is currently insufficient to determine the role of this variant in disease. Therefore, it has been classified as a Variant of Uncertain Significance. Advanced modeling of protein sequence and biophysical properties (such as structural, functional, and spatial information, amino acid conservation, physicochemical variation, residue mobility, and thermodynamic stability) performed at Invitae indicates that this missense variant is not expected to disrupt LRBA protein function. ClinVar contains an entry for this variant (Variation ID: 954993). This variant has not been reported in the literature in individuals affected with LRBA-related conditions. This variant is not present in population databases (gnomAD no frequency). This sequence change replaces threonine, which is neutral and polar, with serine, which is neutral and polar, at codon 783 of the LRBA protein (p.Thr783Ser).

NM_001364905.1(LRBA):c.2347A>T (p.Thr783Ser)

Gene: LRBA (LPS responsive beige-like anchor protein; minus strand). Cytogenetic location: 4q31.3.
Variant type: single nucleotide variant.
Coding change: c.2347A>T on transcript NM_001364905.1 (MANE Select); coding-DNA position 2347, A replaced by T.
Protein change: p.Thr783Ser; replaces threonine 783 with serine.
Molecular consequence: missense variant.
Genome position (GRCh38, 1-based): chr4:150,871,365, T>A on the plus strand (A>T on the coding strand, the complement: LRBA is on the minus strand). VCF-style: chr4-150871365-T-A. GRCh37 (hg19) VCF-style: chr4-151792517-T-A.
Other names: c.2347A>T, p.Thr783Ser (NM_001367550.1, NM_006726.5, NM_001199282.3); short protein forms T783S.
Identifiers: ClinVar variation 954993 (VCV000954993.7), dbSNP rs371913685, ClinGen allele CA358466760.